The following is an entry in ClinVar:

ClinVar aggregate classification (germline): Pathogenic (1 of 4 stars; one submission).

Allele frequency attached by ClinVar (database versions not stated): gnomAD exomes below 0.00001; TOPMed 0.00001; gnomAD 0.00003; ESP Exome Variant Server 0.00008.
gnomAD v4.1: 5 of 1,613,540 alleles (0.00031%); highest among the groups gnomAD compares: African/African-American, 0.0067%; no homozygotes.

Submission:

Labcorp Genetics (formerly Invitae), Labcorp
Classification: Pathogenic. Last evaluated: 2023-01-02. Review status: criteria provided, single submitter. Criteria: Invitae Variant Classification Sherloc (09022015). Collection method: clinical testing. Allele origin: germline.
Comment: For these reasons, this variant has been classified as Pathogenic. This variant has not been reported in the literature in individuals affected with TRAPPC9-related conditions. This variant is present in population databases (rs139179950, gnomAD 0.02%). This sequence change creates a premature translational stop signal (p.Gln830*) in the TRAPPC9 gene. It is expected to result in an absent or disrupted protein product. Loss-of-function variants in TRAPPC9 are known to be pathogenic (PMID: 2000476, 20004763, 20004764).

Literature cited by the submitters: PubMed 2000476; PubMed 20004763; PubMed 20004764.

NM_001160372.4(TRAPPC9):c.2194C>T (p.Gln732Ter)

Gene: TRAPPC9 (trafficking protein particle complex subunit 9; minus strand). Cytogenetic location: 8q24.3.
Variant type: single nucleotide variant.
Coding change: c.2194C>T on transcript NM_001160372.4 (MANE Select); coding-DNA position 2194, C replaced by T.
Protein change: p.Gln732Ter; replaces glutamine 732 with a stop codon.
Molecular consequence: nonsense. On other transcripts: non-coding transcript variant (1).
Genome position (GRCh38, 1-based): chr8:140,275,742, G>A on the plus strand (C>T on the coding strand, the complement: TRAPPC9 is on the minus strand). VCF-style: chr8-140275742-G-A. GRCh37 (hg19) VCF-style: chr8-141285841-G-A.
Other names: c.2167C>T, p.Gln723Ter (NM_001321646.2); c.2215C>T, p.Gln739Ter (NM_001374682.1); c.2194C>T, p.Gln732Ter (NM_001374683.1, NM_031466.8); c.2050C>T, p.Gln684Ter (NM_001374684.1); short protein forms Q684*, Q732*, Q723*, Q739*.
Identifiers: ClinVar variation 2969288 (VCV002969288.3), dbSNP rs139179950, ClinGen allele CA187267376.